The following is an entry in ClinVar:

NM_013382.7(POMT2):c.1417C>T (p.Arg473Ter)

Gene: POMT2 (protein O-mannosyltransferase 2; minus strand). Cytogenetic location: 14q24.3.
Variant type: single nucleotide variant.
Coding change: c.1417C>T on transcript NM_013382.7 (MANE Select); coding-DNA position 1417, C replaced by T.
Protein change: p.Arg473Ter; replaces arginine 473 with a stop codon.
Molecular consequence: nonsense.
Genome position (GRCh38, 1-based): chr14:77,285,548, G>A on the plus strand (C>T on the coding strand, the complement: POMT2 is on the minus strand). VCF-style: chr14-77285548-G-A. GRCh37 (hg19) VCF-style: chr14-77751891-G-A.
Other names: p.R473*:CGA>TGA; short protein forms R473*.
Identifiers: ClinVar variation 95535 (VCV000095535.12), dbSNP rs368817785, ClinGen allele CA223068.

ClinVar aggregate classification (germline): Pathogenic. Review status: criteria provided, multiple submitters, no conflicts (2 of 4 stars). 4 submissions from 4 submitters: Pathogenic (4). Last evaluated 2023-10-11.

Conditions:
Muscular dystrophy-dystroglycanopathy (congenital with brain and eye anomalies), type A2. Also called: MUSCULAR DYSTROPHY-DYSTROGLYCANOPATHY (CONGENITAL WITH BRAIN AND EYE ANOMALIES), TYPE A, 2; WALKER-WARBURG SYNDROME OR MUSCLE-EYE-BRAIN DISEASE, POMT2-RELATED. Identifiers: Orphanet 588, Orphanet 899, MedGen C3150411, MONDO:0013154, OMIM 613150.
Muscular dystrophy-dystroglycanopathy (congenital with impaired intellectual development), type B, 2. Also called: Muscular dystrophy-dystroglycanopathy (congenital with intellectual disability), type B2; MUSCULAR DYSTROPHY, CONGENITAL, POMT2-RELATED. Identifiers: MedGen C3150416, MONDO:0013160, OMIM 613156.
Autosomal recessive limb-girdle muscular dystrophy type 2N. Also called: Muscular dystrophy-dystroglycanopathy (limb-girdle), type C, 2; MUSCULAR DYSTROPHY-DYSTROGLYCANOPATHY, LIMB-GIRDLE, POMT2-RELATED. Identifiers: Orphanet 206559, MedGen C3150418, MONDO:0013162, OMIM 613158.

Allele frequency attached by ClinVar (database versions not stated): gnomAD 0.00001; gnomAD exomes 0.00001; ExAC 0.00002; TOPMed 0.00002; ESP Exome Variant Server 0.00008.

Submissions (4):

Labcorp Genetics (formerly Invitae), Labcorp
Classification: Pathogenic for Muscular dystrophy-dystroglycanopathy (congenital with impaired intellectual development), type B, 2; Muscular dystrophy-dystroglycanopathy (congenital with brain and eye anomalies), type A2; Autosomal recessive limb-girdle muscular dystrophy type 2N. Last evaluated: 2023-10-11. Review status: criteria provided, single submitter. Criteria: Invitae Variant Classification Sherloc (09022015). Collection method: clinical testing. Allele origin: germline.
Comment: This sequence change creates a premature translational stop signal (p.Arg473*) in the POMT2 gene. It is expected to result in an absent or disrupted protein product. Loss-of-function variants in POMT2 are known to be pathogenic (PMID: 15894594). This variant is present in population databases (rs368817785, gnomAD 0.007%). This variant has not been reported in the literature in individuals affected with POMT2-related conditions. ClinVar contains an entry for this variant (Variation ID: 95535). For these reasons, this variant has been classified as Pathogenic.

New York Genome Center
Classification: Pathogenic for Autosomal recessive limb-girdle muscular dystrophy type 2N; Muscular dystrophy-dystroglycanopathy (congenital with brain and eye anomalies), type A2; Muscular dystrophy-dystroglycanopathy (congenital with impaired intellectual development), type B, 2. Last evaluated: 2022-10-21. Review status: criteria provided, single submitter. Criteria: NYGC Assertion Criteria 2020. Collection method: clinical testing. Allele origin: inherited. Affected: yes. Observed: 1 compound heterozygote. Study: PrenatalSEQ.
Comment: The c.1417C>T variant is observed in 5 alleles (~0.0015% % minor allele frequency with 0 homozygotes) in population databases (gnomAD v2.1.1 and v3.1.2, TOPMed Freeze 8, All of Us), suggesting it is not a common benign variant in the populations represented in those databases. The c.1417C>T variant in POMT2 is located in exon 13 of this 21-exon gene, predicted to incorporate a premature termination codon (p.(Arg473Ter)), and is expected to result in loss-of-function via nonsense mediated decay. Multiple loss-of-function variants that are downstream to the c.1417C>T variant have been reported in the literature [PMID: 34413876] and ClinVar [ClinVar ID: 1074015] in individuals with POMT2-related a-dystroglycanopathy. Based on available evidence this inherited c.1417C>T p.(Arg473Ter) variant identified in POMT2 is classified here as Pathogenic.

GeneDx
Classification: Pathogenic. Last evaluated: 2014-06-25. Review status: criteria provided, single submitter. Criteria: GeneDx Variant Classification (06012015). Collection method: clinical testing. Allele origin: germline. Affected: yes.
Comment: p.Arg473Stop (CGA>TGA): c.1417 C>T in exon 13 of the POMT2 gene (NM_013382.5). The R473X nonsense mutation is predicted to cause loss of normal protein function either through protein truncation or nonsense-mediated mRNA decay. The variant is found in BRAINMALFORMATION panel(s).

Eurofins Ntd Llc (ga)
Classification: Pathogenic. Last evaluated: 2013-06-11. Review status: criteria provided, single submitter. Criteria: EGL Classification Definitions 2015. Collection method: clinical testing. Allele origin: germline. Observed: 1 variant allele, 1 heterozygote.

Literature cited by the submitters: PubMed 15894594 (cited by Labcorp Genetics (formerly Invitae), Labcorp).